The following is an entry in ClinVar:

ClinVar aggregate classification (germline): Uncertain significance. Review status: criteria provided, multiple submitters, no conflicts (2 of 4 stars). 2 submissions from 2 submitters: Uncertain significance (2). Last evaluated 2024-02-19.

Conditions:
Charcot-Marie-Tooth disease type 4. Also called: Charcot-Marie-Tooth disease, type IV; Charcot-Marie-Tooth, Type 4. Identifiers: Orphanet 64749, MedGen C4082197, MONDO:0018995.

Allele frequency attached by ClinVar (database versions not stated): TOPMed 0.00002; gnomAD 0.00003; ExAC 0.00009; 1000 Genomes Project 30x 0.00016; 1000 Genomes Project 0.00020.
gnomAD v4.1: 26 of 1,596,208 alleles (0.0016%); highest among the groups gnomAD compares: South Asian, 0.01%; no homozygotes.

Submissions (2):

Labcorp Genetics (formerly Invitae), Labcorp
Classification: Uncertain significance for Charcot-Marie-Tooth disease type 4. Last evaluated: 2024-02-19. Review status: criteria provided, single submitter. Criteria: Invitae Variant Classification Sherloc (09022015). Collection method: clinical testing. Allele origin: germline.
Comment: This sequence change replaces arginine, which is basic and polar, with cysteine, which is neutral and slightly polar, at codon 341 of the NDRG1 protein (p.Arg341Cys). This variant is present in population databases (rs549715102, gnomAD 0.01%). This variant has not been reported in the literature in individuals affected with NDRG1-related conditions. ClinVar contains an entry for this variant (Variation ID: 2175568). Advanced modeling of protein sequence and biophysical properties (such as structural, functional, and spatial information, amino acid conservation, physicochemical variation, residue mobility, and thermodynamic stability) performed at Invitae indicates that this missense variant is expected to disrupt NDRG1 protein function with a positive predictive value of 80%. In summary, the available evidence is currently insufficient to determine the role of this variant in disease. Therefore, it has been classified as a Variant of Uncertain Significance.

GeneDx
Classification: Uncertain significance. Last evaluated: 2023-05-31. Review status: criteria provided, single submitter. Criteria: GeneDx Variant Classification Process June 2021. Collection method: clinical testing. Allele origin: germline. Affected: yes.
Comment: Not observed at significant frequency in large population cohorts (gnomAD); In silico analysis supports that this missense variant has a deleterious effect on protein structure/function; Has not been previously published as pathogenic or benign to our knowledge

NM_006096.4(NDRG1):c.1021C>T (p.Arg341Cys)

Gene: NDRG1 (N-myc downstream regulated 1; minus strand). Cytogenetic location: 8q24.22.
Variant type: single nucleotide variant.
Coding change: c.1021C>T on transcript NM_006096.4 (MANE Select); coding-DNA position 1021, C replaced by T.
Protein change: p.Arg341Cys; replaces arginine 341 with cysteine.
Molecular consequence: missense variant.
Genome position (GRCh38, 1-based): chr8:133,239,042, G>A on the plus strand (C>T on the coding strand, the complement: NDRG1 is on the minus strand). VCF-style: chr8-133239042-G-A. GRCh37 (hg19) VCF-style: chr8-134251285-G-A.
Other names: c.1021C>T, p.Arg341Cys (NM_001135242.2, NM_001374845.1, NM_001374846.1); c.823C>T, p.Arg275Cys (NM_001258432.2, NM_001374847.1); c.778C>T, p.Arg260Cys (NM_001258433.2); c.1072C>T, p.Arg358Cys (NM_001374844.1); short protein forms R275C, R341C, R358C, R260C.
Identifiers: ClinVar variation 2175568 (VCV002175568.4), dbSNP rs549715102, ClinGen allele CA4886443.